The following is an entry in ClinVar:

NM_003590.5(CUL3):c.600C>G (p.Val200=)

Gene: CUL3 (cullin 3; minus strand). Cytogenetic location: 2q36.2.
Variant type: single nucleotide variant.
Coding change: c.600C>G on transcript NM_003590.5 (MANE Select); coding-DNA position 600, C replaced by G.
Protein change: p.Val200=; no amino-acid change (valine 200 retained).
Molecular consequence: synonymous variant.
Genome position (GRCh38, 1-based): chr2:224,513,578, G>C on the plus strand (C>G on the coding strand, the complement: CUL3 is on the minus strand). VCF-style: chr2-224513578-G-C. GRCh37 (hg19) VCF-style: chr2-225378295-G-C.
Other names: c.402C>G, p.Val134= (NM_001257197.2); c.618C>G, p.Val206= (NM_001257198.2).
Identifiers: ClinVar variation 334633 (VCV000334633.9), dbSNP rs561338665, ClinGen allele CA2140161.

ClinVar aggregate classification (germline): Benign. Review status: criteria provided, multiple submitters, no conflicts (2 of 4 stars). 2 submissions from 2 submitters: Benign (2). Last evaluated 2024-02-29.

Conditions:
Pseudohypoaldosteronism type 2E (PHA2E). Also called: Pseudohypoaldosteronism Type IIE. Identifiers: Orphanet 300530, Orphanet 757, MedGen C3469606, MONDO:0013782, OMIM 614496.

Allele frequency attached by ClinVar (database versions not stated): TOPMed below 0.00001; gnomAD 0.00001 and 0.00004; gnomAD exomes 0.00004 and 0.00012; ExAC 0.00015; 1000 Genomes Project 30x 0.00031; 1000 Genomes Project 0.00040.
gnomAD v4.1: 68 of 1,603,384 alleles (0.0042%); highest among the groups gnomAD compares: South Asian, 0.067%; no homozygotes.

Submissions (2):

Labcorp Genetics (formerly Invitae), Labcorp
Classification: Benign. Last evaluated: 2024-02-29. Review status: criteria provided, single submitter. Criteria: Invitae Variant Classification Sherloc (09022015). Collection method: clinical testing. Allele origin: germline.

Illumina Laboratory Services, Illumina
Classification: Benign for Pseudohypoaldosteronism type 2E. Last evaluated: 2018-01-12. Review status: criteria provided, single submitter. Criteria: ICSL Variant Classification Criteria 13 December 2019. Collection method: clinical testing. Allele origin: germline.
Comment: This variant was observed in the ICSL laboratory as part of a predisposition screen in an ostensibly healthy population. It had not been previously curated by ICSL or reported in the Human Gene Mutation Database (HGMD: prior to June 1st, 2018), and was therefore a candidate for classification through an automated scoring system. Utilizing variant allele frequency, disease prevalence and penetrance estimates, and inheritance mode, an automated score was calculated to assess if this variant is too frequent to cause the disease. Based on the score and internal cut-off values, a variant classified as benign is not then subjected to further curation. The score for this variant resulted in a classification of benign for this disease.